The following is an entry in ClinVar:

ClinVar aggregate classification (germline): Uncertain significance. Review status: criteria provided, multiple submitters, no conflicts (2 of 4 stars). 2 submissions from 2 submitters: Uncertain significance (2). Last evaluated 2026-02-10.

Conditions:
B9D1-related disorder. Also called: B9D1-related disorders; B9D1-related condition.
Meckel-Gruber syndrome. Also called: DYSENCEPHALIA SPLANCHNOCYSTICA; GRUBER SYNDROME; Dysencephalia splachnocystica. Identifiers: Orphanet 564, MedGen C0265215, MONDO:0018921.
Joubert syndrome. Also called: Familial aplasia of the vermis; JOUBERT-BOLTSHAUSER SYNDROME. Identifiers: Orphanet 475, MedGen C5979921, MONDO:0018772.

Allele frequency attached by ClinVar (database versions not stated): TOPMed 0.00001; ExAC 0.00002; gnomAD exomes 0.00002 and 0.00004; gnomAD 0.00003.
gnomAD v4.1: 40 of 1,613,826 alleles (0.0025%); highest among the groups gnomAD compares: Admixed American, 0.0083%; no homozygotes.

Submissions (3):

PreventionGenetics, part of Exact Sciences
Classification: Uncertain significance for B9D1-related condition. Last evaluated: 2026-02-10. Review status: criteria provided, single submitter. Criteria: ACMG Guidelines, 2015. Collection method: clinical testing. Allele origin: germline.
Comment: The B9D1 c.109G>A variant is predicted to result in the amino acid substitution p.Gly37Ser. To our knowledge, this variant has not been reported in the literature. This variant is reported in 0.014% of alleles in individuals of Latino descent in gnomAD. At this time, the clinical significance of this variant is uncertain due to the absence of conclusive functional and genetic evidence.

Labcorp Genetics (formerly Invitae), Labcorp
Classification: Uncertain significance for Joubert syndrome; Meckel-Gruber syndrome. Last evaluated: 2024-11-11. Review status: criteria provided, single submitter. Criteria: Invitae Variant Classification Sherloc (09022015). Collection method: clinical testing. Allele origin: germline.
Comment: This sequence change replaces glycine, which is neutral and non-polar, with serine, which is neutral and polar, at codon 37 of the B9D1 protein (p.Gly37Ser). This variant is present in population databases (rs771997194, gnomAD 0.01%). This missense change has been observed in individual(s) with clinical features of B9D1-related conditions (internal data). ClinVar contains an entry for this variant (Variation ID: 241064). An algorithm developed to predict the effect of missense changes on protein structure and function (PolyPhen-2) suggests that this variant is likely to be disruptive. In summary, the available evidence is currently insufficient to determine the role of this variant in disease. Therefore, it has been classified as a Variant of Uncertain Significance.

Dr. Peter K. Rogan Lab, Western University
No classification provided (evidence only). Condition: Ovarian serous cystadenocarcinoma. Review status: no classification provided. Collection method: in vitro. Allele origin: not applicable. Functional consequence: retained intron. Not counted in ClinVar's aggregate classification.

NM_015681.6(B9D1):c.109G>A (p.Gly37Ser)

Gene: B9D1 (B9 domain containing 1; minus strand). Cytogenetic location: 17p11.2.
Variant type: single nucleotide variant.
Coding change: c.109G>A on transcript NM_015681.6 (MANE Select); coding-DNA position 109, G replaced by A.
Protein change: p.Gly37Ser; replaces glycine 37 with serine.
Molecular consequence: missense variant. On other transcripts: 5 prime UTR variant (1).
Genome position (GRCh38, 1-based): chr17:19,360,343, C>T on the plus strand (G>A on the coding strand, the complement: B9D1 is on the minus strand). VCF-style: chr17-19360343-C-T. GRCh37 (hg19) VCF-style: chr17-19263656-C-T.
Other names: c.109G>A, p.Gly37Ser (NM_001321214.2, NM_001321215.3, NM_001321216.2 and 4 more transcripts); c.-252G>A (NM_001368769.2); c.109G>A (NM_015681.4); short protein forms G37S.
Identifiers: ClinVar variation 241064 (VCV000241064.10), dbSNP rs771997194, ClinGen allele CA8440355.
Genomic context (GRCh38, chr17:19,360,343, plus strand): 5'-ATGAAGGCGGTAAGGGAGGCCCAAGAGTCCAGCTTACCGCTGTGGGGGCCCAGTCCTGGC[C>T]GTACACAAAGCAGTACTTGCAGTAGAGGTCATCATACTCTGGAAACTGAAAAAAGCACAG-3'
Protein context (NP_056496.1, residues 27-47): DLYCKYCFVY[Gly37Ser]QDWAPTAGLE